The following is an entry in ClinVar:

NM_003483.6(HMGA2):c.282+1G>T

Gene: HMGA2 (high mobility group AT-hook 2; plus strand). Cytogenetic location: 12q14.3.
Variant type: single nucleotide variant.
Coding change: c.282+1G>T on transcript NM_003483.6 (MANE Select); the canonical splice donor site of the intron after coding-DNA position 282, G replaced by T.
Molecular consequence: splice donor variant.
Genome position (GRCh38, 1-based): chr12:65,951,416, G>T. VCF-style: chr12-65951416-G-T. GRCh37 (hg19) VCF-style: chr12-66345196-G-T.
Other names: c.282+1G>T (NM_001300918.1).
Identifiers: ClinVar variation 5019913 (VCV005019913.2).

ClinVar aggregate classification (germline): Uncertain significance (1 of 4 stars; one submission).

Conditions:
Silver-Russell syndrome 5 (SRS5). Identifiers: MedGen C5394456, MONDO:0020795, OMIM 618908.

Submission:

Juno Genomics, Hangzhou Juno Genomics, Inc
Classification: Uncertain significance for Silver-Russell syndrome 5. Review status: criteria provided, single submitter. Criteria: ACMG Guidelines, 2015. Collection method: clinical testing. Allele origin: germline.
Comment: Absent from controls (or at extremely low frequency if recessive) in Genome Aggregation Database.;Multiple lines of computational evidence support a deleterious effect on the gene or gene product.